The following is an entry in ClinVar:

NM_031885.5(BBS2):c.1585G>A (p.Ala529Thr)

Gene: BBS2 (Bardet-Biedl syndrome 2; minus strand). Cytogenetic location: 16q13.
Variant type: single nucleotide variant.
Coding change: c.1585G>A on transcript NM_031885.5 (MANE Select); coding-DNA position 1585, G replaced by A.
Protein change: p.Ala529Thr; replaces alanine 529 with threonine.
Molecular consequence: missense variant. On other transcripts: non-coding transcript variant (5).
Genome position (GRCh38, 1-based): chr16:56,498,511, C>T on the plus strand (G>A on the coding strand, the complement: BBS2 is on the minus strand). VCF-style: chr16-56498511-C-T. GRCh37 (hg19) VCF-style: chr16-56532423-C-T.
Other names: c.1585G>A, p.Ala529Thr (NM_001377456.1); short protein forms A529T.
Identifiers: ClinVar variation 1019997 (VCV001019997.8), dbSNP rs1964175201, ClinGen allele CA395976818.

ClinVar aggregate classification (germline): Uncertain significance (1 of 4 stars; one submission).

Conditions:
Bardet-Biedl syndrome (BBS). Identifiers: Orphanet 110, MedGen C0752166, MONDO:0015229.

Allele frequency attached by ClinVar (database versions not stated): gnomAD exomes below 0.00001.

Submission:

Labcorp Genetics (formerly Invitae), Labcorp
Classification: Uncertain significance for Bardet-Biedl syndrome. Last evaluated: 2022-03-10. Review status: criteria provided, single submitter. Criteria: Invitae Variant Classification Sherloc (09022015). Collection method: clinical testing. Allele origin: germline.
Comment: In summary, the available evidence is currently insufficient to determine the role of this variant in disease. Therefore, it has been classified as a Variant of Uncertain Significance. Algorithms developed to predict the effect of missense changes on protein structure and function (SIFT, PolyPhen-2, Align-GVGD) all suggest that this variant is likely to be tolerated. ClinVar contains an entry for this variant (Variation ID: 1019997). This variant has not been reported in the literature in individuals affected with BBS2-related conditions. This variant is not present in population databases (gnomAD no frequency). This sequence change replaces alanine, which is neutral and non-polar, with threonine, which is neutral and polar, at codon 529 of the BBS2 protein (p.Ala529Thr).